The following is an entry in ClinVar:

ClinVar aggregate classification (germline): Uncertain significance (1 of 4 stars; one submission).

Submission:

Ambry Genetics
Classification: Uncertain significance. Last evaluated: 2024-12-16. Review status: criteria provided, single submitter. Criteria: Ambry Variant Classification Scheme 2023. Collection method: clinical testing. Allele origin: germline.
Comment: The p.Q549R variant (also known as c.1646A>G), located in coding exon 10 of the GALNT12 gene, results from an A to G substitution at nucleotide position 1646. The glutamine at codon 549 is replaced by arginine, an amino acid with highly similar properties. This amino acid position is conserved. In addition, this alteration is predicted to be tolerated by in silico analysis. Based on the available evidence, the clinical significance of this variant remains unclear.

NM_024642.5(GALNT12):c.1646A>G (p.Gln549Arg)

Gene: GALNT12 (polypeptide N-acetylgalactosaminyltransferase 12; plus strand). Cytogenetic location: 9q22.33.
Variant type: single nucleotide variant.
Coding change: c.1646A>G on transcript NM_024642.5 (MANE Select); coding-DNA position 1646, A replaced by G.
Protein change: p.Gln549Arg; replaces glutamine 549 with arginine.
Molecular consequence: missense variant.
Genome position (GRCh38, 1-based): chr9:98,848,992, A>G. VCF-style: chr9-98848992-A-G. GRCh37 (hg19) VCF-style: chr9-101611274-A-G.
Other names: short protein forms Q549R.
Identifiers: ClinVar variation 3852657 (VCV003852657.1).